The following is an entry in ClinVar:

NM_006389.5(HYOU1):c.1122+19G>A

Gene: HYOU1 (hypoxia up-regulated 1; minus strand). Cytogenetic location: 11q23.3.
Variant type: single nucleotide variant.
Coding change: c.1122+19G>A on transcript NM_006389.5 (MANE Select); 19 bases into the intron after coding-DNA position 1122, G replaced by A.
Molecular consequence: intron variant.
Genome position (GRCh38, 1-based): chr11:119,052,276, C>T on the plus strand (G>A on the coding strand, the complement: HYOU1 is on the minus strand). VCF-style: chr11-119052276-C-T. GRCh37 (hg19) VCF-style: chr11-118922988-C-T.
Other names: c.1122+19G>A (NM_001130991.3).
Identifiers: ClinVar variation 1932390 (VCV001932390.6), dbSNP rs1160194135, ClinGen allele CA672395731.
Genomic context (GRCh38, chr11:119,052,276, plus strand): 5'-ACTGACTCGTCCCTTGACGTCCCATGGGTTTCCTATGCCCTTTCCTACGGGGCATTCCCG[C>T]CTTCCCCTACTCGCTCACCAGACTCATTTCGGCACTCTGGAGGGCCTGCTGTACAGGCCC-3'

ClinVar aggregate classification (germline): Conflicting classifications of pathogenicity. Review status: criteria provided, conflicting classifications (1 of 4 stars). 2 submissions from 2 submitters: Uncertain significance (1); Likely benign (1). Last evaluated 2022-07-06.

Allele frequency attached by ClinVar (database versions not stated): gnomAD exomes below 0.00001; gnomAD 0.00001.
gnomAD v4.1: 5 of 1,614,076 alleles (0.00031%); highest among the groups gnomAD compares: South Asian, 0.0033%; no homozygotes.

Submissions (2):

Labcorp Genetics (formerly Invitae), Labcorp
Classification: Uncertain significance. Last evaluated: 2022-07-06. Review status: criteria provided, single submitter. Criteria: Invitae Variant Classification Sherloc (09022015). Collection method: clinical testing. Allele origin: germline.
Comment: This sequence change falls in intron 10 of the HYOU1 gene. It does not directly change the encoded amino acid sequence of the HYOU1 protein. This variant is present in population databases (no rsID available, gnomAD 0.003%). This variant has not been reported in the literature in individuals affected with HYOU1-related conditions. In summary, the available evidence is currently insufficient to determine the role of this variant in disease. Therefore, it has been classified as a Variant of Uncertain Significance.

Blueprint Genetics
Classification: Likely benign. Last evaluated: 2021-12-02. Review status: criteria provided, single submitter. Criteria: ACMG Guidelines, 2015. Collection method: clinical testing. Allele origin: germline.